The following is an entry in ClinVar:

NM_001034853.2(RPGR):c.2574_2575del (p.Glu859fs)

Gene: RPGR (retinitis pigmentosa GTPase regulator; minus strand). Cytogenetic location: Xp11.4.
Variant type: Deletion.
Coding change: c.2574_2575del on transcript NM_001034853.2 (MANE Select); coding-DNA positions 2574 to 2575, 2 bases deleted (GG; older notation c.2574_2575delGG).
Protein change: p.Glu859fs; shifts the reading frame from glutamic acid 859.
Molecular consequence: frameshift variant. On other transcripts: intron variant (8).
Genome position (GRCh38, 1-based): chrX:38,286,424-38,286,425, CC deleted on the plus strand (GG on the coding strand, the reverse complement: RPGR is on the minus strand); deleting any 2 consecutive bases within chrX:38,286,424-38,286,427 gives the same sequence; the c. name uses the placement nearest the transcript's 3' end. VCF-style (leftmost placement, unchanged base first): chrX-38286423-TCC-T. GRCh37 (hg19) VCF-style: chrX-38145676-TCC-T.
Other names: c.1569+4534_1569+4535del (NM_001367249.1, NM_001367250.1); c.1902+669_1902+670del (NM_001367245.1); c.1386+4534_1386+4535del (NM_001367251.1); c.1719+669_1719+670del (NM_001367246.1); c.1572+4534_1572+4535del (NM_001367247.1); c.1905+669_1905+670del (NM_000328.3); c.1602+4534_1602+4535del (NM_001367248.1); short protein forms E859fs.
Identifiers: ClinVar variation 2100008 (VCV002100008.4), dbSNP rs2519789485, ClinGen allele CA2580100899.

ClinVar aggregate classification (germline): Pathogenic (1 of 4 stars; one submission).

Conditions:
Primary ciliary dyskinesia. Also called: Ciliary dyskinesia. Identifiers: Orphanet 244, MedGen C0008780, MONDO:0016575, HP:0012265.

Submission:

Labcorp Genetics (formerly Invitae), Labcorp
Classification: Pathogenic for Primary ciliary dyskinesia. Last evaluated: 2023-09-09. Review status: criteria provided, single submitter. Criteria: Invitae Variant Classification Sherloc (09022015). Collection method: clinical testing. Allele origin: germline.
Comment: For these reasons, this variant has been classified as Pathogenic. This variant disrupts a region of the RPGR (ORF15) protein in which other variant(s) (p.Leu1130Lysfs*13) have been determined to be pathogenic (PMID: 22264887; Invitae). This suggests that this is a clinically significant region of the protein, and that variants that disrupt it are likely to be disease-causing. ClinVar contains an entry for this variant (Variation ID: 2100008). This variant is also known as c.2573_2574delAG. This premature translational stop signal has been observed in individual(s) with retinitis pigmentosa (PMID: 27620828). This variant is not present in population databases (gnomAD no frequency). This sequence change creates a premature translational stop signal (p.Glu859Glyfs*219) in the RPGR (ORF15) gene. While this is not anticipated to result in nonsense mediated decay, it is expected to disrupt the last 294 amino acid(s) of the RPGR (ORF15) protein.

Literature cited by the submitters: PubMed 22264887; PubMed 27620828.